The following is an entry in ClinVar:

ClinVar aggregate classification (germline): Uncertain significance (1 of 4 stars; one submission).

Submission:

GeneDx
Classification: Uncertain significance. Last evaluated: 2023-10-30. Review status: criteria provided, single submitter. Criteria: GeneDx Variant Classification Process June 2021. Collection method: clinical testing. Allele origin: germline. Affected: yes.
Comment: Not observed at significant frequency in large population cohorts (gnomAD); In silico analysis supports that this missense variant has a deleterious effect on protein structure/function; Has not been previously published as pathogenic or benign to our knowledge

NM_016146.6(TRAPPC4):c.484A>T (p.Arg162Trp)

Gene: TRAPPC4 (trafficking protein particle complex subunit 4; plus strand). Cytogenetic location: 11q23.3.
Variant type: single nucleotide variant.
Coding change: c.484A>T on transcript NM_016146.6 (MANE Select); coding-DNA position 484, A replaced by T.
Protein change: p.Arg162Trp; replaces arginine 162 with tryptophan.
Molecular consequence: missense variant. On other transcripts: intron variant (1).
Genome position (GRCh38, 1-based): chr11:119,021,789, A>T. VCF-style: chr11-119021789-A-T. GRCh37 (hg19) VCF-style: chr11-118892499-A-T.
Other names: c.166A>T, p.Arg56Trp (NM_001318486.2); c.322A>T, p.Arg108Trp (NM_001318489.2); c.355A>T, p.Arg119Trp (NM_001318490.2); c.169A>T, p.Arg57Trp (NM_001318492.2); c.205A>T, p.Arg69Trp (NM_001318494.2); c.455-85A>T (NM_001318488.2); short protein forms R108W, R119W, R162W, R56W, R57W, R69W.
Identifiers: ClinVar variation 3363373 (VCV003363373.1).